The following is an entry in ClinVar:

NM_001282531.3(ADNP):c.2783A>G (p.Asp928Gly)

Gene: ADNP (activity dependent neuroprotector homeobox; minus strand). Cytogenetic location: 20q13.13.
Variant type: single nucleotide variant.
Coding change: c.2783A>G on transcript NM_001282531.3 (MANE Select); coding-DNA position 2783, A replaced by G.
Protein change: p.Asp928Gly; replaces aspartic acid 928 with glycine.
Molecular consequence: missense variant.
Genome position (GRCh38, 1-based): chr20:50,891,931, T>C on the plus strand (A>G on the coding strand, the complement: ADNP is on the minus strand). VCF-style: chr20-50891931-T-C. GRCh37 (hg19) VCF-style: chr20-49508468-T-C.
Other names: c.2783A>G, p.Asp928Gly (NM_001282532.2, NM_001347511.2, NM_015339.5 and 1 more transcripts); c.2999A>G, p.Asp1000Gly (NM_001439000.1); c.2099A>G, p.Asp700Gly (NM_001439001.1); short protein forms D700G, D928G, D1000G.
Identifiers: ClinVar variation 4998262 (VCV004998262.1).

ClinVar aggregate classification (germline): Uncertain significance (1 of 4 stars; one submission).

Conditions:
ADNP-related disorder. Also called: ADNP-related condition.

Submission:

PreventionGenetics, part of Exact Sciences
Classification: Uncertain significance for ADNP-related condition. Last evaluated: 2025-04-29. Review status: criteria provided, single submitter. Criteria: ACMG Guidelines, 2015. Collection method: clinical testing. Allele origin: germline.
Comment: The ADNP c.2783A>G variant is predicted to result in the amino acid substitution p.Asp928Gly. To our knowledge, this variant has not been reported in the literature or in a large population database (gnomAD), indicating this variant is rare. At this time, the clinical significance of this variant is uncertain due to the absence of conclusive functional and genetic evidence.